The following is an entry in ClinVar:

NM_000536.4(RAG2):c.189dup (p.Lys64Ter)

Gene: RAG2 (recombination activating 2; minus strand). Cytogenetic location: 11p12.
Variant type: Duplication.
Coding change: c.189dup on transcript NM_000536.4 (MANE Select); coding-DNA position 189, one base duplicated (T; older notation c.189dupT).
Protein change: p.Lys64Ter; replaces lysine 64 with a stop codon.
Molecular consequence: nonsense.
Genome position (GRCh38, 1-based): chr11:36,593,980, A duplicated on the plus strand (T on the coding strand, the reverse complement: RAG2 is on the minus strand). VCF-style (leftmost placement, unchanged base first): chr11-36593979-T-TA. GRCh37 (hg19) VCF-style: chr11-36615529-T-TA.
Other names: c.189dup, p.Lys64Ter (NM_001243785.2, NM_001243786.2); short protein forms K64*.
Identifiers: ClinVar variation 2090696 (VCV002090696.4), dbSNP rs2494799074, ClinGen allele CA2580084111.

ClinVar aggregate classification (germline): Pathogenic (1 of 4 stars; one submission).

Conditions:
Severe combined immunodeficiency, autosomal recessive, T cell-negative, B cell-negative, NK cell-positive. Also called: SCID, T CELL-NEGATIVE, B CELL-NEGATIVE, NK CELL-POSITIVE; Severe combined immunodeficiency due to complete RAG1/2 deficiency; SCID, AR, T-cell negative, B-cell negative, NK cell-positive. Identifiers: Orphanet 331206, MedGen C1832322, MONDO:0011086, OMIM 601457.
Combined immunodeficiency with skin granulomas. Identifiers: Orphanet 157949, MedGen C2673536, MONDO:0009306, OMIM 233650.

Submission:

Labcorp Genetics (formerly Invitae), Labcorp
Classification: Pathogenic for Combined immunodeficiency with skin granulomas; Severe combined immunodeficiency, autosomal recessive, T cell-negative, B cell-negative, NK cell-positive. Last evaluated: 2022-02-08. Review status: criteria provided, single submitter. Criteria: Invitae Variant Classification Sherloc (09022015). Collection method: clinical testing. Allele origin: germline.
Comment: This variant has not been reported in the literature in individuals affected with RAG2-related conditions. This variant is not present in population databases (gnomAD no frequency). This sequence change creates a premature translational stop signal (p.Lys64*) in the RAG2 gene. While this is not anticipated to result in nonsense mediated decay, it is expected to disrupt the last 464 amino acid(s) of the RAG2 protein. This variant disrupts a region of the RAG2 protein in which other variant(s) (p.Glu480*) have been determined to be pathogenic (PMID: 21624848, 29772310). This suggests that this is a clinically significant region of the protein, and that variants that disrupt it are likely to be disease-causing. For these reasons, this variant has been classified as Pathogenic.

Literature cited by the submitters: PubMed 21624848; PubMed 29772310.